The following is an entry in ClinVar:

NM_001079872.2(CUL4B):c.1853-13A>G

Gene: CUL4B (cullin 4B; minus strand). Cytogenetic location: Xq24.
Variant type: single nucleotide variant.
Coding change: c.1853-13A>G on transcript NM_001079872.2 (MANE Select); 13 bases into the intron before coding-DNA position 1853, A replaced by G.
Molecular consequence: intron variant.
Genome position (GRCh38, 1-based): chrX:120,538,222, T>C on the plus strand (A>G on the coding strand, the complement: CUL4B is on the minus strand). VCF-style: chrX-120538222-T-C. GRCh37 (hg19) VCF-style: chrX-119672077-T-C.
Other names: c.1907-13A>G (NM_003588.4); c.1868-13A>G (NM_001330624.2); c.1319-13A>G (NM_001369145.1).
Identifiers: ClinVar variation 2827929 (VCV002827929.3), dbSNP rs896412935, ClinGen allele CA2694570670.

ClinVar aggregate classification (germline): Uncertain significance (1 of 4 stars; one submission).

Conditions:
X-linked intellectual disability Cabezas type (MRXSC). Also called: CABEZAS SYNDROME; MENTAL RETARDATION, X-LINKED, SYNDROMIC 15; Intellectual developmental disorder, X-linked syndromic, Cabezas type. Identifiers: Orphanet 85289, Orphanet 85293, MedGen C1845861, MONDO:0010306, OMIM 300354.

Submission:

Labcorp Genetics (formerly Invitae), Labcorp
Classification: Uncertain significance for X-linked intellectual disability Cabezas type. Last evaluated: 2023-10-03. Review status: criteria provided, single submitter. Criteria: Invitae Variant Classification Sherloc (09022015). Collection method: clinical testing. Allele origin: germline.
Comment: This sequence change falls in intron 15 of the CUL4B gene. It does not directly change the encoded amino acid sequence of the CUL4B protein. This variant is not present in population databases (gnomAD no frequency). This variant has not been reported in the literature in individuals affected with CUL4B-related conditions. Algorithms developed to predict the effect of sequence changes on RNA splicing suggest that this variant may disrupt the consensus splice site. In summary, the available evidence is currently insufficient to determine the role of this variant in disease. Therefore, it has been classified as a Variant of Uncertain Significance.